The following is an entry in ClinVar:

ClinVar aggregate classification (germline): Likely benign (0 of 4 stars; one submission).

Conditions:
EPPK1-related disorder. Also called: EPPK1-related condition.

Allele frequency attached by ClinVar (database versions not stated): ExAC 0.00008; 1000 Genomes Project 30x 0.00016; gnomAD 0.00017; 1000 Genomes Project 0.00020; ESP Exome Variant Server 0.00023; TOPMed 0.00026.

Submission:

PreventionGenetics, part of Exact Sciences
Classification: Likely benign for EPPK1-related condition. Last evaluated: 2022-04-22. Review status: no assertion criteria provided. Collection method: clinical testing. Allele origin: germline.
Comment: This variant is classified as likely benign based on ACMG/AMP sequence variant interpretation guidelines (Richards et al. 2015 PMID: 25741868, with internal and published modifications).

NM_031308.4(EPPK1):c.2058C>T (p.Arg686=)

Gene: EPPK1 (epiplakin 1; minus strand). Cytogenetic location: 8q24.3.
Variant type: single nucleotide variant.
Coding change: c.2058C>T on transcript NM_031308.4 (MANE Select); coding-DNA position 2058, C replaced by T.
Protein change: p.Arg686=; no amino-acid change (arginine 686 retained).
Molecular consequence: synonymous variant.
Genome position (GRCh38, 1-based): chr8:143,871,196, G>A on the plus strand (C>T on the coding strand, the complement: EPPK1 is on the minus strand). VCF-style: chr8-143871196-G-A. GRCh37 (hg19) VCF-style: chr8-144945364-G-A.
Identifiers: ClinVar variation 3051038 (VCV003051038.2), dbSNP rs370777395, ClinGen allele CA4923183.